The following is an entry in ClinVar:

ClinVar aggregate classification (germline): Pathogenic. Review status: criteria provided, multiple submitters, no conflicts (2 of 4 stars). 9 submissions from 9 submitters: Pathogenic (7). 2 of the submissions do not count toward it. Last evaluated 2025-11-09.

Conditions:
Familial thoracic aortic aneurysm and aortic dissection (TAAD). Also called: Thoracic aortic aneurysms and dissections. Identifiers: Orphanet 91387, MedGen C4707243, MONDO:0019625.
Loeys-Dietz syndrome 2 (LDS2). Also called: TGFBR2-Related Loeys-Dietz Syndrome; AORTIC ANEURYSM, FAMILIAL THORACIC 3; MARFAN SYNDROME, TYPE II; Marfan syndrome, type 2 (formerly); Marfan Syndrome type 2; Marfan like connective tissue disorder. Identifiers: Orphanet 284973, Orphanet 558, MedGen C2674574, MONDO:0012427, OMIM 610168.

Allele frequency attached by ClinVar (database versions not stated): TOPMed below 0.00001; gnomAD exomes below 0.00001.
gnomAD v4.1: 1 of 1,614,112 alleles (0.000062%); no homozygotes.

Submissions (9):

Labcorp Genetics (formerly Invitae), Labcorp
Classification: Pathogenic for Familial thoracic aortic aneurysm and aortic dissection. Last evaluated: 2025-11-09. Review status: criteria provided, single submitter. Criteria: Invitae Variant Classification Sherloc (09022015). Collection method: clinical testing. Allele origin: germline.
Comment: This sequence change replaces arginine, which is basic and polar, with histidine, which is basic and polar, at codon 460 of the TGFBR2 protein (p.Arg460His). This variant is present in population databases (rs104893816, gnomAD 0.004%). This missense change has been observed in individuals with TGFBR2-related conditions (PMID: 16027248, 16885183, 18852674, 23884466, 25644172, 27508510). It has also been observed to segregate with disease in related individuals. ClinVar contains an entry for this variant (Variation ID: 12515). Invitae Evidence Modeling of protein sequence and biophysical properties (such as structural, functional, and spatial information, amino acid conservation, physicochemical variation, residue mobility, and thermodynamic stability) indicates that this missense variant is expected to disrupt TGFBR2 protein function with a positive predictive value of 95%. Experimental studies have shown that this missense change affects TGFBR2 function (PMID: 21098638). This variant disrupts the p.Arg460 amino acid residue in TGFBR2. Other variant(s) that disrupt this residue have been determined to be pathogenic (PMID: 16027248, 16799921, 19542084, 21098638, 21267002; internal data). This suggests that this residue is clinically significant, and that variants that disrupt this residue are likely to be disease-causing. For these reasons, this variant has been classified as Pathogenic.

Color Diagnostics, LLC DBA Color Health
Classification: Pathogenic for Familial thoracic aortic aneurysm and aortic dissection. Last evaluated: 2025-09-15. Review status: criteria provided, single submitter. Criteria: ACMG Guidelines, 2015. Collection method: clinical testing. Allele origin: germline.
Comment: This missense variant replaces arginine with histidine at codon 460 in the serine/threonine kinase domain of the TGFBR2 protein. Computational prediction suggests that this variant may have deleterious impact on protein structure and function. Functional studies have shown that this variant causes a significant decrease in TGFBR2 protein internalization and signaling activity and exhibits a dominant negative effect on TGFBR2 signaling pathway (PMID: 20628007, 21098638). This variant has been reported in individuals affected with syndromic and non-syndromic thoracic aortic aneurysm and aortic dissection (PMID: 16885183, 20628007, 25644172, 31098894, 32420711), Loeys-Dietz syndrome (PMID: 16928994, 23884466, 30675401), and Marfan syndrome characterized by major cardio-skeletal signs (PMID: 16251899). This variant has shown to segregate with disease in multiple multigenerational families (PMID: 16027248, 16885183, 32420711). This variant is rare in the general population and has been identified in 1/251464 chromosomes by the Genome Aggregation Database (gnomAD). Multiple different missense variants occurring at the same codon have been observed in individuals affected with TGFBR2-related conditions (ClinVar variation ID: 12514, 543900, 1332770, 1332771, 1470300), indicating the functional and clinical importance of this position. Based on the available evidence, this p.Arg460His variant is classified as Pathogenic.

GeneDx
Classification: Pathogenic. Last evaluated: 2025-04-07. Review status: criteria provided, single submitter. Criteria: GeneDx Variant Classification Process June 2021. Collection method: clinical testing. Allele origin: germline. Affected: yes.
Comment: Published functional studies reported R460H exhibits a dominant-negative effect on extracellular signal-regulated kinase (ERK) and SMAD signaling which leads to a defect in TGF-B signaling (PMID: 21098638); Not observed at significant frequency in large population cohorts (gnomAD); In silico analysis supports that this missense variant has a deleterious effect on protein structure/function; This variant is associated with the following publications: (PMID: 23884466, 27508510, 27879313, 25644172, 16885183, 30675401, 31098894, 16251899, 16027248, 21098638)

Ambry Genetics
Classification: Pathogenic for Familial thoracic aortic aneurysm and aortic dissection. Last evaluated: 2025-02-13. Review status: criteria provided, single submitter. Criteria: Ambry Variant Classification Scheme 2023. Collection method: clinical testing. Allele origin: germline.
Comment: The c.1379G>A (p.R460H) alteration is located in exon 5 (coding exon 5) of the TGFBR2 gene. This alteration results from a G to A substitution at nucleotide position 1379, causing the arginine (R) at amino acid position 460 to be replaced by a histidine (H). Based on data from gnomAD, the A allele has an overall frequency of <0.001% (1/251464) total alleles studied. This variant has been found to segregate in multiple multigenerational families with syndromic and non-syndromic thoracic aortic aneurysm and dissection (TAAD) (Pannu, 2005; Law, 2006; Michaowska, 2020). It has also been reported in several individuals with TAAD (Disabella, 2006; Loeys, 2006; Campens, 2015; Jawaid, 2018; Li, 2019). Experimental studies indicate that this alteration affects TGFBR2 protein internalization and decreases TGFBR2 expression and signaling activity (Horbelt, 2010; Inamoto, 2010). This alteration is predicted to be deleterious by in silico analysis. Based on the available evidence, this alteration is classified as pathogenic.

Clinical Genetics Laboratory, Skane University Hospital Lund
Classification: Pathogenic. Last evaluated: 2023-02-23. Review status: criteria provided, single submitter. Criteria: ACMG Guidelines, 2015. Collection method: clinical testing. Allele origin: germline. Affected: yes.

CHEO Genetics Diagnostic Laboratory, Children's Hospital of Eastern Ontario
Classification: Pathogenic for Familial thoracic aortic aneurysm and aortic dissection. Last evaluated: 2023-01-17. Review status: criteria provided, single submitter. Criteria: ACMG Guidelines, 2015. Collection method: clinical testing. Allele origin: germline.

Human Genome Sequencing Center Clinical Lab, Baylor College of Medicine
Classification: Pathogenic for Loeys-Dietz syndrome 2. Last evaluated: 2019-06-17. Review status: criteria provided, single submitter. Criteria: ACMG Guidelines, 2015. Collection method: clinical testing. Allele origin: germline.
Comment: The c.1454G>A (p.Arg485His) variant in the TGFBR2 gene has been reported in multiple unrelated families affected with Thoracic Aortic Aneurysm and Dissection (PMID 16027248,16251899, 16885183, 25644172) and segregates with disease in some of the families (PMID 16027248, 16885183). In vitro analysis showed this variant results in severely compromised internalization of the TGF-beta RII protein (PMID 21098638). Multiple in silico algorithms predicted this p.Arg485His change to be deleterious. Therefore, this c.1454G>A (p.Arg485His) variant in the TGFBR2 gene is classified as pathogenic.

Biochemical Molecular Genetic Laboratory, King Abdulaziz Medical City
Classification: Pathogenic for Loeys-Dietz syndrome 2. Last evaluated: 2018-06-05. Review status: no assertion criteria provided. Collection method: clinical testing. Allele origin: germline. Affected: yes. Not counted in ClinVar's aggregate classification.

OMIM
Classification: Pathogenic for LOEYS-DIETZ SYNDROME 2. Last evaluated: 2006-12-01. Review status: no assertion criteria provided. Collection method: literature only. Allele origin: germline. Not counted in ClinVar's aggregate classification.

Literature cited by the submitters: PubMed 16027248 (cited by 4 submitters); PubMed 16885183 (cited by 4 submitters); PubMed 18852674 (cited by Labcorp Genetics (formerly Invitae), Labcorp); PubMed 23884466 (cited by Labcorp Genetics (formerly Invitae), Labcorp and Color Diagnostics, LLC DBA Color Health); PubMed 25644172 (cited by 3 submitters); PubMed 27508510 (cited by Labcorp Genetics (formerly Invitae), Labcorp); PubMed 21098638 (cited by 3 submitters); PubMed 16799921 (cited by Labcorp Genetics (formerly Invitae), Labcorp); PubMed 19542084 (cited by Labcorp Genetics (formerly Invitae), Labcorp); PubMed 21267002 (cited by Labcorp Genetics (formerly Invitae), Labcorp); PubMed 16251899 (cited by 3 submitters); PubMed 16928994 (cited by Color Diagnostics, LLC DBA Color Health and Ambry Genetics); PubMed 20628007 (cited by Color Diagnostics, LLC DBA Color Health and Ambry Genetics); PubMed 30675401 (cited by Color Diagnostics, LLC DBA Color Health and Ambry Genetics); PubMed 31098894 (cited by Color Diagnostics, LLC DBA Color Health and Ambry Genetics); PubMed 32420711 (cited by Color Diagnostics, LLC DBA Color Health and Ambry Genetics).

NM_003242.6(TGFBR2):c.1379G>A (p.Arg460His)

Gene: TGFBR2 (transforming growth factor beta receptor 2; plus strand). Cytogenetic location: 3p24.1.
Variant type: single nucleotide variant.
Coding change: c.1379G>A on transcript NM_003242.6 (MANE Select); coding-DNA position 1379, G replaced by A.
Protein change: p.Arg460His; replaces arginine 460 with histidine.
Molecular consequence: missense variant.
Genome position (GRCh38, 1-based): chr3:30,674,229, G>A. VCF-style: chr3-30674229-G-A. GRCh37 (hg19) VCF-style: chr3-30715721-G-A.
Other names: p.R460H:CGC>CAC; c.1562G>A, p.Arg521His (NM_001407126.1); c.1487G>A, p.Arg496His (NM_001407127.1); c.1406G>A, p.Arg469His (NM_001407128.1); c.1382G>A, p.Arg461His (NM_001407129.1); c.1379G>A, p.Arg460His (NM_001407130.1); c.1274G>A, p.Arg425His (NM_001407132.1, NM_001407133.1, NM_001407134.1 and 2 more transcripts); c.1094G>A, p.Arg365His (NM_001407137.1); and 2 more; short protein forms R460H, R485H, R365H, R425H, R461H, R469H, R340H, R496H.
Identifiers: ClinVar variation 12515 (VCV000012515.20), dbSNP rs104893816, ClinGen allele CA020664.
Genomic context (GRCh38, chr3:30,674,229, plus strand): 5'-AGTCCTTCAAGCAGACCGATGTCTACTCCATGGCTCTGGTGCTCTGGGAAATGACATCTC[G>A]CTGTAATGCAGTGGGAGGTAGGTGTGGACCAGCATCATTGTGTAGTGGTAAACTTGTCTT-3'
Protein context (NP_003233.4, residues 450-470): MALVLWEMTS[Arg460His]CNAVGEVKDY